The following is an entry in ClinVar:

ClinVar aggregate classification (germline): Pathogenic. Review status: criteria provided, multiple submitters, no conflicts (2 of 4 stars). 3 submissions from 3 submitters: Pathogenic (3). Last evaluated 2025-03-04.

Conditions:
Familial cancer of breast. Also called: hereditary breast carcinoma; BREAST CANCER, FAMILIAL; Hereditary breast cancer. Identifiers: Orphanet 227535, MedGen C0346153, MONDO:0016419, OMIM 114480. Disease mechanism: loss of function.
Fanconi anemia complementation group J. Also called: BRIP1-Related Fanconi Anemia. Identifiers: Orphanet 84, MedGen C1836860, MONDO:0012187, OMIM 609054.
Hereditary cancer-predisposing syndrome. Also called: Tumor predisposition; Hereditary neoplastic syndrome; Neoplastic Syndromes, Hereditary; Hereditary Cancer Syndrome. Identifiers: Orphanet 140162, MedGen C0027672, MeSH D009386, MONDO:0015356.

Submissions (3):

Center for Genomic Medicine, Rigshospitalet, Copenhagen University Hospital
Classification: Pathogenic. Last evaluated: 2025-03-04. Review status: criteria provided, single submitter. Criteria: ACMG Guidelines, 2015. Collection method: clinical testing. Allele origin: germline.

Labcorp Genetics (formerly Invitae), Labcorp
Classification: Pathogenic for Familial cancer of breast; Fanconi anemia complementation group J. Last evaluated: 2024-03-05. Review status: criteria provided, single submitter. Criteria: Invitae Variant Classification Sherloc (09022015). Collection method: clinical testing. Allele origin: germline.
Comment: This sequence change creates a premature translational stop signal (p.Gln561Hisfs*2) in the BRIP1 gene. It is expected to result in an absent or disrupted protein product. Loss-of-function variants in BRIP1 are known to be pathogenic (PMID: 16116423, 17033622, 21964575). This variant is not present in population databases (gnomAD no frequency). This variant has not been reported in the literature in individuals affected with BRIP1-related conditions. ClinVar contains an entry for this variant (Variation ID: 939193). For these reasons, this variant has been classified as Pathogenic.

Ambry Genetics
Classification: Pathogenic for Hereditary cancer-predisposing syndrome. Last evaluated: 2019-11-21. Review status: criteria provided, single submitter. Criteria: Ambry Variant Classification Scheme 2023. Collection method: clinical testing. Allele origin: germline.
Comment: The c.1683_1684delGA pathogenic mutation, located in coding exon 11 of the BRIP1 gene, results from a deletion of two nucleotides at nucleotide positions 1683 to 1684, causing a translational frameshift with a predicted alternate stop codon (p.Q561Hfs*2). This alteration is expected to result in loss of function by premature protein truncation or nonsense-mediated mRNA decay. As such, this alteration is interpreted as a disease-causing mutation.

Literature cited by the submitters: PubMed 16116423 (cited by Labcorp Genetics (formerly Invitae), Labcorp); PubMed 17033622 (cited by Labcorp Genetics (formerly Invitae), Labcorp); PubMed 21964575 (cited by Labcorp Genetics (formerly Invitae), Labcorp).

NM_032043.3(BRIP1):c.1683_1684del (p.Gln561fs)

Gene: BRIP1 (BRCA1 interacting DNA helicase 1; minus strand). Cytogenetic location: 17q23.2.
Variant type: Deletion.
Coding change: c.1683_1684del on transcript NM_032043.3 (MANE Select); coding-DNA positions 1683 to 1684, 2 bases deleted (GA; older notation c.1683_1684delGA).
Protein change: p.Gln561fs; shifts the reading frame from glutamine 561.
Molecular consequence: frameshift variant.
Genome position (GRCh38, 1-based): chr17:61,780,950-61,780,951, TC deleted on the plus strand (GA on the coding strand, the reverse complement: BRIP1 is on the minus strand); deleting any 2 consecutive bases within chr17:61,780,950-61,780,952 gives the same sequence; the c. name uses the placement nearest the transcript's 3' end. VCF-style (leftmost placement, unchanged base first): chr17-61780949-ATC-A. GRCh37 (hg19) VCF-style: chr17-59858310-ATC-A.
Other names: c.1683_1684delGA (NM_032043.3, NM_032043.2); short protein forms Q561fs.
Identifiers: ClinVar variation 939193 (VCV000939193.13), dbSNP rs2077610620, ClinGen allele CA1139665783.